The following is an entry in ClinVar:

ClinVar aggregate classification (germline): Uncertain significance (1 of 4 stars; one submission).

Conditions:
PHIP-related disorder. Also called: PHIP-related disorders; PHIP-related condition.

gnomAD v4.1: 1 of 1,614,044 alleles (0.000062%); highest among the groups gnomAD compares: East Asian, 0.0022%; no homozygotes.

Submission:

PreventionGenetics, part of Exact Sciences
Classification: Uncertain significance for PHIP-related condition. Last evaluated: 2025-11-06. Review status: criteria provided, single submitter. Criteria: ACMG Guidelines, 2015. Collection method: clinical testing. Allele origin: germline.
Comment: The PHIP c.5021T>C variant is predicted to result in the amino acid substitution p.Leu1674Ser. To our knowledge, this variant has not been reported in the literature or in a large population database (gnomAD), indicating this variant is rare. At this time, the clinical significance of this variant is uncertain due to the absence of conclusive functional and genetic evidence.

NM_017934.7(PHIP):c.5021T>C (p.Leu1674Ser)

Genes: IRAK1BP1 (interleukin 1 receptor associated kinase 1 binding protein 1; plus strand), PHIP (PHIP subunit of CUL4-Ring ligase complex; minus strand). Cytogenetic location: 6q14.1.
Variant type: single nucleotide variant.
Coding change: c.5021T>C on transcript NM_017934.7 (MANE Select); coding-DNA position 5021, T replaced by C.
Protein change: p.Leu1674Ser; replaces leucine 1674 with serine.
Molecular consequence: missense variant.
Genome position (GRCh38, 1-based): chr6:78,941,138, A>G on the plus strand (T>C on the coding strand, the complement: PHIP is on the minus strand). VCF-style: chr6-78941138-A-G. GRCh37 (hg19) VCF-style: chr6-79650855-A-G.
Other names: short protein forms L1674S.
Identifiers: ClinVar variation 4995329 (VCV004995329.1).